The following is an entry in ClinVar:

ClinVar aggregate classification (germline): Uncertain significance (1 of 4 stars; one submission).

Allele frequency attached by ClinVar (database versions not stated): gnomAD exomes below 0.00001.
gnomAD v4.1: 4 of 1,613,956 alleles (0.00025%); highest among the groups gnomAD compares: African/African-American, 0.0013%; no homozygotes.

Submission:

Labcorp Genetics (formerly Invitae), Labcorp
Classification: Uncertain significance. Last evaluated: 2022-05-07. Review status: criteria provided, single submitter. Criteria: Invitae Variant Classification Sherloc (09022015). Collection method: clinical testing. Allele origin: germline.
Comment: In summary, the available evidence is currently insufficient to determine the role of this variant in disease. Therefore, it has been classified as a Variant of Uncertain Significance. Algorithms developed to predict the effect of missense changes on protein structure and function are either unavailable or do not agree on the potential impact of this missense change (SIFT: "Deleterious"; PolyPhen-2: "Not Available"; Align-GVGD: "Class C25"). This variant has not been reported in the literature in individuals affected with CDH23-related conditions. This variant is not present in population databases (gnomAD no frequency). This sequence change replaces histidine, which is basic and polar, with arginine, which is basic and polar, at codon 440 of the CDH23 protein (p.His440Arg).

NM_022124.6(CDH23):c.1319A>G (p.His440Arg)

Gene: CDH23 (cadherin related 23; plus strand). Cytogenetic location: 10q22.1.
Variant type: single nucleotide variant.
Coding change: c.1319A>G on transcript NM_022124.6 (MANE Select); coding-DNA position 1319, A replaced by G.
Protein change: p.His440Arg; replaces histidine 440 with arginine.
Molecular consequence: missense variant.
Genome position (GRCh38, 1-based): chr10:71,646,487, A>G. VCF-style: chr10-71646487-A-G. GRCh37 (hg19) VCF-style: chr10-73406244-A-G.
Other names: c.1319A>G, p.His440Arg (NM_001171930.2, NM_001171931.2, NM_052836.4); short protein forms H440R.
Identifiers: ClinVar variation 2135219 (VCV002135219.4), dbSNP rs2493820258, ClinGen allele CA377127960.